The following is an entry in ClinVar:

NM_002204.4(ITGA3):c.2060C>T (p.Ser687Leu)

Gene: ITGA3 (integrin subunit alpha 3; plus strand). Cytogenetic location: 17q21.33.
Variant type: single nucleotide variant.
Coding change: c.2060C>T on transcript NM_002204.4 (MANE Select); coding-DNA position 2060, C replaced by T.
Protein change: p.Ser687Leu; replaces serine 687 with leucine.
Molecular consequence: missense variant.
Genome position (GRCh38, 1-based): chr17:50,077,111, C>T. VCF-style: chr17-50077111-C-T. GRCh37 (hg19) VCF-style: chr17-48154475-C-T.
Other names: NM_005501.2:c.2060C>T; short protein forms S687L.
Identifiers: ClinVar variation 2044042 (VCV002044042.4), dbSNP rs773643680, ClinGen allele CA8641782.

ClinVar aggregate classification (germline): Uncertain significance. Review status: criteria provided, multiple submitters, no conflicts (2 of 4 stars). 2 submissions from 2 submitters: Uncertain significance (2). Last evaluated 2025-06-07.

Conditions:
Inborn genetic diseases. Identifiers: MedGen C0950123, MeSH D030342.

Allele frequency attached by ClinVar (database versions not stated): gnomAD 0.00007; ExAC 0.00008; TOPMed 0.00007.
gnomAD v4.1: 167 of 1,555,104 alleles (0.011%); highest among the groups gnomAD compares: Non-Finnish European, 0.013%; no homozygotes.

Submissions (2):

Ambry Genetics
Classification: Uncertain significance for Inborn genetic diseases. Last evaluated: 2025-06-07. Review status: criteria provided, single submitter. Criteria: Ambry Variant Classification Scheme 2023. Collection method: clinical testing. Allele origin: germline.

Labcorp Genetics (formerly Invitae), Labcorp
Classification: Uncertain significance. Last evaluated: 2023-05-08. Review status: criteria provided, single submitter. Criteria: Invitae Variant Classification Sherloc (09022015). Collection method: clinical testing. Allele origin: germline.
Comment: This sequence change replaces serine, which is neutral and polar, with leucine, which is neutral and non-polar, at codon 687 of the ITGA3 protein (p.Ser687Leu). In summary, the available evidence is currently insufficient to determine the role of this variant in disease. Therefore, it has been classified as a Variant of Uncertain Significance. Advanced modeling of protein sequence and biophysical properties (such as structural, functional, and spatial information, amino acid conservation, physicochemical variation, residue mobility, and thermodynamic stability) performed at Invitae indicates that this missense variant is expected to disrupt ITGA3 protein function. ClinVar contains an entry for this variant (Variation ID: 2044042). This variant has not been reported in the literature in individuals affected with ITGA3-related conditions. This variant is present in population databases (rs773643680, gnomAD 0.01%).